The following is an entry in ClinVar:

ClinVar aggregate classification (germline): Uncertain significance. Review status: criteria provided, multiple submitters, no conflicts (2 of 4 stars). 3 submissions from 3 submitters: Uncertain significance (3). Last evaluated 2026-01-09.

Conditions:
Inborn genetic diseases. Identifiers: MedGen C0950123, MeSH D030342.

Allele frequency attached by ClinVar (database versions not stated): ESP Exome Variant Server 0.00008; gnomAD 0.00010; TOPMed 0.00014.
gnomAD v4.1: 27 of 1,613,954 alleles (0.0017%); highest among the groups gnomAD compares: African/African-American, 0.035%; no homozygotes.

Submissions (3):

Labcorp Genetics (formerly Invitae), Labcorp
Classification: Uncertain significance. Last evaluated: 2026-01-09. Review status: criteria provided, single submitter. Criteria: Invitae Variant Classification Sherloc (09022015). Collection method: clinical testing. Allele origin: germline.
Comment: This sequence change replaces arginine, which is basic and polar, with glycine, which is neutral and non-polar, at codon 339 of the VPS33B protein (p.Arg339Gly). This variant is present in population databases (rs140237411, gnomAD 0.05%). This variant has not been reported in the literature in individuals affected with VPS33B-related conditions. ClinVar contains an entry for this variant (Variation ID: 595288). Invitae Evidence Modeling of protein sequence and biophysical properties (such as structural, functional, and spatial information, amino acid conservation, physicochemical variation, residue mobility, and thermodynamic stability) has been performed for this missense variant. However, the output from this modeling did not meet the statistical confidence thresholds required to predict the impact of this variant on VPS33B protein function. In summary, the available evidence is currently insufficient to determine the role of this variant in disease. Therefore, it has been classified as a Variant of Uncertain Significance.

Ambry Genetics
Classification: Uncertain significance for Inborn genetic diseases. Last evaluated: 2024-09-10. Review status: criteria provided, single submitter. Criteria: Ambry Variant Classification Scheme 2023. Collection method: clinical testing. Allele origin: germline.

Eurofins Ntd Llc (ga)
Classification: Uncertain significance. Last evaluated: 2017-12-11. Review status: criteria provided, single submitter. Criteria: EGL Classification Definitions 2015. Collection method: clinical testing. Allele origin: germline. Observed: 1 variant allele, 1 heterozygote.

NM_018668.5(VPS33B):c.1015C>G (p.Arg339Gly)

Gene: VPS33B (VPS33B late endosome and lysosome associated; minus strand). Cytogenetic location: 15q26.1.
Variant type: single nucleotide variant.
Coding change: c.1015C>G on transcript NM_018668.5 (MANE Select); coding-DNA position 1015, C replaced by G.
Protein change: p.Arg339Gly; replaces arginine 339 with glycine.
Molecular consequence: missense variant.
Genome position (GRCh38, 1-based): chr15:91,005,709, G>C on the plus strand (C>G on the coding strand, the complement: VPS33B is on the minus strand). VCF-style: chr15-91005709-G-C. GRCh37 (hg19) VCF-style: chr15-91548939-G-C.
Other names: c.934C>G, p.Arg312Gly (NM_001289148.1); c.742C>G, p.Arg248Gly (NM_001289149.1); c.1015C>G (NM_018668.3); short protein forms R339G, R312G, R248G.
Identifiers: ClinVar variation 595288 (VCV000595288.9), dbSNP rs140237411, ClinGen allele CA7744835.